The following is an entry in ClinVar:

NM_030665.4(RAI1):c.5590G>C (p.Gly1864Arg)

Gene: RAI1 (retinoic acid induced 1; plus strand). Cytogenetic location: 17p11.2.
Variant type: single nucleotide variant.
Coding change: c.5590G>C on transcript NM_030665.4 (MANE Select); coding-DNA position 5590, G replaced by C.
Protein change: p.Gly1864Arg; replaces glycine 1864 with arginine.
Molecular consequence: missense variant.
Genome position (GRCh38, 1-based): chr17:17,803,780, G>C. VCF-style: chr17-17803780-G-C. GRCh37 (hg19) VCF-style: chr17-17707094-G-C.
Other names: short protein forms G1864R.
Identifiers: ClinVar variation 4999123 (VCV004999123.1).
Genomic context (GRCh38, chr17:17,803,780, plus strand): 5'-CTGGAGACTCACCTGCCTTTCCTTTCTCTTCATCAGATGTGTTCCAGCTGCCAAGAAGCC[G>C]GGGCCACCATTGGGTGCTGCCACAAAGGATGCCTCCACACCTACCACTACCCGTGTGCCA-3'
Protein context (NP_109590.3, residues 1854-1874): DMMCSSCQEA[Gly1864Arg]ATIGCCHKGC

ClinVar aggregate classification (germline): Uncertain significance (1 of 4 stars; one submission).

Conditions:
RAI1-related disorder. Also called: RAI1-related condition.

Submission:

PreventionGenetics, part of Exact Sciences
Classification: Uncertain significance for RAI1-related condition. Last evaluated: 2025-03-13. Review status: criteria provided, single submitter. Criteria: ACMG Guidelines, 2015. Collection method: clinical testing. Allele origin: germline.
Comment: The RAI1 c.5590G>C variant is predicted to result in the amino acid substitution p.Gly1864Arg. To our knowledge, this variant has not been reported in the literature or in a large population database (gnomAD), indicating this variant is rare. At this time, the clinical significance of this variant is uncertain due to the absence of conclusive functional and genetic evidence.